The following is an entry in ClinVar:

NM_003849.4(SUCLG1):c.97+17C>T

Gene: SUCLG1 (succinate-CoA ligase GDP/ADP-forming subunit alpha; minus strand). Cytogenetic location: 2p11.2.
Variant type: single nucleotide variant.
Coding change: c.97+17C>T on transcript NM_003849.4 (MANE Select); 17 bases into the intron after coding-DNA position 97, C replaced by T.
Molecular consequence: intron variant.
Genome position (GRCh38, 1-based): chr2:84,459,156, G>A on the plus strand (C>T on the coding strand, the complement: SUCLG1 is on the minus strand). VCF-style: chr2-84459156-G-A. GRCh37 (hg19) VCF-style: chr2-84686280-G-A.
Identifiers: ClinVar variation 384893 (VCV000384893.10), dbSNP rs113923257, ClinGen allele CA1736444.
Genomic context (GRCh38, chr2:84,459,156, plus strand): 5'-CGGCCTGGGCCAGGAGGTTGGGTCCGGCGGGGCCAATAACCCGCGGGCGCCAGGAAGACA[G>A]TACTGGCTGGACTCACGGAGGAAGCTGCGCGACAGGAGACGGGCGGCGGCGAGGCCGCTG-3'

ClinVar aggregate classification (germline): Likely benign. Review status: criteria provided, multiple submitters, no conflicts (2 of 4 stars). 3 submissions from 3 submitters: Likely benign (3). Last evaluated 2025-12-29.

Conditions:
Mitochondrial DNA depletion syndrome 9 (MTDPS9). Also called: SUCLG1-Related Mitochondrial DNA Depletion Syndrome, Encephalomyopathic Form with Methylmalonic Aciduria. Identifiers: Orphanet 17, MedGen C3151476, MONDO:0009504, OMIM 245400.

Allele frequency attached by ClinVar (database versions not stated): ExAC 0.00007; gnomAD exomes 0.00009; 1000 Genomes Project 30x 0.00031; gnomAD 0.00032 and 0.00035; 1000 Genomes Project 0.00040; TOPMed 0.00042.
gnomAD v4.1: 131 of 1,547,492 alleles (0.0085%); highest among the groups gnomAD compares: African/African-American, 0.13%; 2 homozygotes.

Submissions (3):

Labcorp Genetics (formerly Invitae), Labcorp
Classification: Likely benign for Mitochondrial DNA depletion syndrome 9. Last evaluated: 2025-12-29. Review status: criteria provided, single submitter. Criteria: Invitae Variant Classification Sherloc (09022015). Collection method: clinical testing. Allele origin: germline.

Blueprint Genetics
Classification: Likely benign. Last evaluated: 2024-07-19. Review status: criteria provided, single submitter. Criteria: ACMG Guidelines, 2015. Collection method: clinical testing. Allele origin: germline.

GeneDx
Classification: Likely benign. Last evaluated: 2016-10-25. Review status: criteria provided, single submitter. Criteria: GeneDx Variant Classification (06012015). Collection method: clinical testing. Allele origin: germline. Affected: yes.
Comment: This variant is considered likely benign or benign based on one or more of the following criteria: it is a conservative change, it occurs at a poorly conserved position in the protein, it is predicted to be benign by multiple in silico algorithms, and/or has population frequency not consistent with disease.